The following is an entry in ClinVar:

ClinVar aggregate classification (germline): Pathogenic. Review status: reviewed by expert panel (3 of 4 stars). 5 submissions from 5 submitters: Pathogenic (1). 4 of the submissions do not count toward it. Last evaluated 2016-09-08.

Conditions:
Hereditary breast ovarian cancer syndrome. Also called: Hereditary breast and ovarian cancer syndrome; Hereditary breast and ovarian cancer; Hereditary breast and ovarian cancer syndrome (HBOC); Breast and ovarian cancer; Hereditary breast and/or ovarian cancer syndrome; BRCA1- and BRCA2-Associated Hereditary Breast and Ovarian Cancer. Identifiers: Orphanet 145, MedGen C0677776, MeSH D061325, MONDO:0003582. Disease mechanism: loss of function.
Breast-ovarian cancer, familial, susceptibility to, 2 (BROVCA2). Also called: BRCA2 Hereditary Breast and Ovarian Cancer. Identifiers: Orphanet 145, MedGen C2675520, MONDO:0012933, OMIM 612555. Disease mechanism: loss of function.

Submissions (5):

Evidence-based Network for the Interpretation of Germline Mutant Alleles (ENIGMA)
Classification: Pathogenic for Breast-ovarian cancer, familial, susceptibility to, 2. Last evaluated: 2016-09-08. Review status: reviewed by expert panel. Criteria: ENIGMA BRCA1/2 Classification Criteria (2015). Collection method: curation. Allele origin: germline.
Comment: Variant allele predicted to encode a truncated non-functional protein.

Consortium of Investigators of Modifiers of BRCA1/2 (CIMBA), c/o University of Cambridge
Classification: Pathogenic for Breast-ovarian cancer, familial, susceptibility to, 2. Last evaluated: 2015-10-02. Review status: criteria provided, single submitter. Criteria: CIMBA Mutation Classification guidelines May 2016. Collection method: clinical testing. Allele origin: germline. Not counted in ClinVar's aggregate classification.

Department of Pathology and Laboratory Medicine, Sinai Health System
Classification: Pathogenic for Hereditary breast ovarian cancer syndrome. Review status: criteria provided, single submitter. Criteria: ACMG Guidelines, 2015. Collection method: clinical testing. Allele origin: germline. Affected: yes. Study: The Canadian Open Genetics Repository (COGR). Not counted in ClinVar's aggregate classification.

Research Molecular Genetics Laboratory, Women's College Hospital, University of Toronto
Classification: Pathogenic for Hereditary breast ovarian cancer syndrome. Last evaluated: 2014-01-31. Review status: no assertion criteria provided. Collection method: research. Allele origin: germline. Affected: yes. Study: The Canadian Open Genetics Repository (COGR). Not counted in ClinVar's aggregate classification.

Breast Cancer Information Core (BIC) (BRCA2)
Classification: Pathogenic for Breast-ovarian cancer, familial 2. Last evaluated: 2002-05-29. Review status: no assertion criteria provided. Collection method: clinical testing. Allele origin: germline, unknown. Affected: yes. Observed: 8 variant alleles. Not counted in ClinVar's aggregate classification.

NM_000059.4(BRCA2):c.1815dup (p.Pro606fs)

Gene: BRCA2 (BRCA2 DNA repair associated; plus strand). Cytogenetic location: 13q13.1.
Variant type: Duplication.
Coding change: c.1815dup on transcript NM_000059.4 (MANE Select); coding-DNA position 1815, one base duplicated (A; older notation c.1815dupA).
Protein change: p.Pro606fs; shifts the reading frame from proline 606.
Molecular consequence: frameshift variant.
Genome position (GRCh38, 1-based): chr13:32,333,293, A duplicated. VCF-style (leftmost placement, unchanged base first): chr13-32333292-T-TA. GRCh37 (hg19) VCF-style: chr13-32907429-T-TA.
Other names: 2041insA; 2042insA; c.1815dupA (NM_000059.3); short protein forms P606fs.
Identifiers: ClinVar variation 51204 (VCV000051204.5), dbSNP rs80359310, ClinGen allele CA013408.